The following is an entry in ClinVar:

NM_012335.4(MYO1F):c.1705G>A (p.Asp569Asn)

Gene: MYO1F (myosin IF; minus strand). Cytogenetic location: 19p13.2.
Variant type: single nucleotide variant.
Coding change: c.1705G>A on transcript NM_012335.4 (MANE Select); coding-DNA position 1705, G replaced by A.
Protein change: p.Asp569Asn; replaces aspartic acid 569 with asparagine.
Molecular consequence: missense variant.
Genome position (GRCh38, 1-based): chr19:8,537,043, C>T on the plus strand (G>A on the coding strand, the complement: MYO1F is on the minus strand). VCF-style: chr19-8537043-C-T. GRCh37 (hg19) VCF-style: chr19-8601927-C-T.
Other names: c.1693G>A, p.Asp565Asn (NM_001348355.2); short protein forms D565N, D569N.
Identifiers: ClinVar variation 1317901 (VCV001317901.4), dbSNP rs200858073, ClinGen allele CA9159156.

ClinVar aggregate classification (germline): Likely benign. Review status: criteria provided, single submitter (1 of 4 stars). 2 submissions from 2 submitters: Likely benign (1). 1 of the submissions does not count toward it. Last evaluated 2018-09-18.

Conditions:
MYO1F-related disorder. Also called: MYO1F-related condition.

Allele frequency attached by ClinVar (database versions not stated): gnomAD exomes 0.00013; ExAC 0.00017; 1000 Genomes Project 30x 0.00031; 1000 Genomes Project 0.00040; gnomAD 0.00044 and 0.00047; ESP Exome Variant Server 0.00048; TOPMed 0.00048.
gnomAD v4.1: 232 of 1,605,724 alleles (0.014%); highest among the groups gnomAD compares: African/African-American, 0.17%; no homozygotes.

Submissions (2):

GeneDx
Classification: Likely benign. Last evaluated: 2018-09-18. Review status: criteria provided, single submitter. Criteria: GeneDx Variant Classification Process June 2021. Collection method: clinical testing. Allele origin: germline. Affected: yes.

PreventionGenetics, part of Exact Sciences
Classification: Likely benign for MYO1F-related condition. Last evaluated: 2023-01-05. Review status: no assertion criteria provided. Collection method: clinical testing. Allele origin: germline. Not counted in ClinVar's aggregate classification.
Comment: This variant is classified as likely benign based on ACMG/AMP sequence variant interpretation guidelines (Richards et al. 2015 PMID: 25741868, with internal and published modifications).